The following is an entry in ClinVar:

ClinVar aggregate classification (germline): Uncertain significance (1 of 4 stars; one submission).

Conditions:
Intellectual developmental disorder, autosomal recessive 74 (MRT74). Also called: Sotos syndrome 3. Identifiers: MedGen C4310684, MONDO:0014951, OMIM 617169.

Allele frequency attached by ClinVar (database versions not stated): gnomAD exomes below 0.00001.
gnomAD v4.1: 1 of 1,515,048 alleles (0.000066%); highest among the groups gnomAD compares: Non-Finnish European, 0.000088%; no homozygotes.

Submission:

Baylor Genetics
Classification: Uncertain significance for Intellectual developmental disorder, autosomal recessive 74. Last evaluated: 2018-11-19. Review status: criteria provided, single submitter. Criteria: ACMG Guidelines, 2015. Collection method: clinical testing. Allele origin: maternal. Affected: yes.
Comment: This variant was determined to be of uncertain significance according to ACMG Guidelines, 2015 [PMID:25741868].

NM_005883.3(APC2):c.5772G>C (p.Gln1924His)

Genes: APC2 (APC regulator of WNT signaling pathway 2; plus strand), LOC130062956 (ATAC-STARR-seq lymphoblastoid silent region 9718; plus strand). Cytogenetic location: 19p13.3.
Variant type: single nucleotide variant.
Coding change: c.5772G>C on transcript NM_005883.3 (MANE Select); coding-DNA position 5772, G replaced by C.
Protein change: p.Gln1924His; replaces glutamine 1924 with histidine.
Molecular consequence: missense variant.
Genome position (GRCh38, 1-based): chr19:1,469,073, G>C. VCF-style: chr19-1469073-G-C. GRCh37 (hg19) VCF-style: chr19-1469072-G-C.
Other names: c.5769G>C, p.Gln1923His (NM_001351273.1); short protein forms Q1923H, Q1924H.
Identifiers: ClinVar variation 1033035 (VCV001033035.1), dbSNP rs2084082995, ClinGen allele CA403041879.